The following is an entry in ClinVar:

ClinVar aggregate classification (germline): Benign/Likely benign. Review status: criteria provided, multiple submitters, no conflicts (2 of 4 stars). 4 submissions from 4 submitters: Benign (1); Likely benign (2). 1 of the submissions does not count toward it. Last evaluated 2025-09-13.

Conditions:
RAI1-related disorder. Also called: RAI1-related condition.
Inborn genetic diseases. Identifiers: MedGen C0950123, MeSH D030342.

Allele frequency attached by ClinVar (database versions not stated): ExAC 0.00002; gnomAD exomes 0.00002 and 0.00005; gnomAD 0.00003 and 0.00004; TOPMed 0.00003; ESP Exome Variant Server 0.00008.
gnomAD v4.1: 71 of 1,613,530 alleles (0.0044%); highest among the groups gnomAD compares: Non-Finnish European, 0.0058%; no homozygotes.

Submissions (4):

Labcorp Genetics (formerly Invitae), Labcorp
Classification: Benign. Last evaluated: 2025-09-13. Review status: criteria provided, single submitter. Criteria: Invitae Variant Classification Sherloc (09022015). Collection method: clinical testing. Allele origin: germline.

Blueprint Genetics
Classification: Likely benign. Last evaluated: 2023-06-28. Review status: criteria provided, single submitter. Criteria: ACMG Guidelines, 2015. Collection method: clinical testing. Allele origin: germline.

Ambry Genetics
Classification: Likely benign for Inborn genetic diseases. Last evaluated: 2017-06-02. Review status: criteria provided, single submitter. Criteria: Ambry Variant Classification Scheme 2023. Collection method: clinical testing. Allele origin: germline.

PreventionGenetics, part of Exact Sciences
Classification: Uncertain significance for RAI1-related condition. Last evaluated: 2024-05-29. Review status: no assertion criteria provided. Collection method: clinical testing. Allele origin: germline. Not counted in ClinVar's aggregate classification.
Comment: The RAI1 c.1979G>A variant is predicted to result in the amino acid substitution p.Arg660Gln. To our knowledge, this variant has not been reported in the literature. This variant is reported in 0.0053% of alleles in individuals of European (Non-Finnish) descent in gnomAD. Although we suspect that this variant may be benign, at this time, the clinical significance of this variant is uncertain due to the absence of conclusive functional and genetic evidence.

NM_030665.4(RAI1):c.1979G>A (p.Arg660Gln)

Gene: RAI1 (retinoic acid induced 1; plus strand). Cytogenetic location: 17p11.2.
Variant type: single nucleotide variant.
Coding change: c.1979G>A on transcript NM_030665.4 (MANE Select); coding-DNA position 1979, G replaced by A.
Protein change: p.Arg660Gln; replaces arginine 660 with glutamine.
Molecular consequence: missense variant.
Genome position (GRCh38, 1-based): chr17:17,794,927, G>A. VCF-style: chr17-17794927-G-A. GRCh37 (hg19) VCF-style: chr17-17698241-G-A.
Other names: short protein forms R660Q.
Identifiers: ClinVar variation 589534 (VCV000589534.16), dbSNP rs377537260, ClinGen allele CA8418437.